The following is an entry in ClinVar:

ClinVar aggregate classification (germline): Likely benign. Review status: criteria provided, multiple submitters, no conflicts (2 of 4 stars). 2 submissions from 2 submitters: Likely benign (2). Last evaluated 2025-05-14.

Conditions:
Usher syndrome type 3B. Also called: USHER SYNDROME, TYPE IIIB. Identifiers: MedGen C3281066, MONDO:0013788, OMIM 614504.
HARS1-related disorder. Also called: HARS1-related condition.

Allele frequency attached by ClinVar (database versions not stated): TOPMed 0.00002; gnomAD 0.00003.
gnomAD v4.1: 7 of 1,608,660 alleles (0.00044%); highest among the groups gnomAD compares: Non-Finnish European, 0.0006%; no homozygotes.

Submissions (2):

PreventionGenetics, part of Exact Sciences
Classification: Likely benign for HARS1-related condition. Last evaluated: 2025-05-14. Review status: criteria provided, single submitter. Criteria: ACMG Guidelines, 2015. Collection method: clinical testing. Allele origin: germline.
Comment: This variant is classified as likely benign based on ACMG/AMP sequence variant interpretation guidelines (Richards et al. 2015 PMID: 25741868, with internal and published modifications).

Labcorp Genetics (formerly Invitae), Labcorp
Classification: Likely benign for Usher syndrome type 3B. Last evaluated: 2025-05-11. Review status: criteria provided, single submitter. Criteria: Invitae Variant Classification Sherloc (09022015). Collection method: clinical testing. Allele origin: germline.

NM_002109.6(HARS1):c.1213C>A (p.Arg405=)

Gene: HARS1 (histidyl-tRNA synthetase 1; minus strand). Cytogenetic location: 5q31.3.
Variant type: single nucleotide variant.
Coding change: c.1213C>A on transcript NM_002109.6 (MANE Select); coding-DNA position 1213, C replaced by A.
Protein change: p.Arg405=; no amino-acid change (arginine 405 retained).
Molecular consequence: synonymous variant.
Genome position (GRCh38, 1-based): chr5:140,675,115, G>T on the plus strand (C>A on the coding strand, the complement: HARS1 is on the minus strand). VCF-style: chr5-140675115-G-T. GRCh37 (hg19) VCF-style: chr5-140054700-G-T.
Other names: c.871C>A, p.Arg291= (NM_001289093.2); c.1126C>A, p.Arg376= (NM_001289094.2); c.1093C>A, p.Arg365= (NM_001258040.3); c.1153C>A, p.Arg385= (NM_001258041.3); c.1033C>A, p.Arg345= (NM_001258042.3); c.991C>A, p.Arg331= (NM_001289092.2).
Identifiers: ClinVar variation 716266 (VCV000716266.6), dbSNP rs908109064, ClinGen allele CA446640262.